The following is an entry in ClinVar:

ClinVar aggregate classification (germline): Conflicting classifications of pathogenicity. Review status: criteria provided, conflicting classifications (1 of 4 stars). 3 submissions from 3 submitters: Uncertain significance (1); Likely benign (2). Last evaluated 2026-05-14.

Conditions:
Cardiovascular phenotype. Identifiers: MedGen CN230736.
Long QT syndrome (LQTS). Identifiers: MedGen C0023976, MeSH D008133, MONDO:0002442. Disease mechanism: loss of function. Inheritance: Various modes of inheritance.
CACNA1C-related disorder. Also called: CACNA1C-related condition; CACNA1C-related disorders. Identifiers: MedGen CN381092, MONDO:0700321.

Allele frequency attached by ClinVar (database versions not stated): gnomAD exomes below 0.00001; gnomAD 0.00002; TOPMed 0.00002.
gnomAD v4.1: 6 of 1,613,768 alleles (0.00037%); highest among the groups gnomAD compares: African/African-American, 0.008%; no homozygotes.

Submissions (3):

PreventionGenetics, part of Exact Sciences
Classification: Uncertain significance for CACNA1C-related condition. Last evaluated: 2026-05-14. Review status: criteria provided, single submitter. Criteria: ACMG Guidelines, 2015. Collection method: clinical testing. Allele origin: germline.
Comment: The CACNA1C c.5906T>C variant is predicted to result in the amino acid substitution p.Val1969Ala. To our knowledge, this variant has not been reported in the literature. This variant is reported in 0.0083% of alleles in individuals of African descent in gnomAD. At this time, the clinical significance of this variant is uncertain due to the absence of conclusive functional and genetic evidence.

Ambry Genetics
Classification: Likely benign for Cardiovascular phenotype. Last evaluated: 2025-05-03. Review status: criteria provided, single submitter. Criteria: Ambry Variant Classification Scheme 2023. Collection method: clinical testing. Allele origin: germline.

Labcorp Genetics (formerly Invitae), Labcorp
Classification: Likely benign for Long QT syndrome. Last evaluated: 2023-08-10. Review status: criteria provided, single submitter. Criteria: Invitae Variant Classification Sherloc (09022015). Collection method: clinical testing. Allele origin: germline.

NM_000719.7(CACNA1C):c.5906T>C (p.Val1969Ala)

Genes: CACNA1C-AS1 (CACNA1C antisense RNA 1; minus strand), CACNA1C (calcium voltage-gated channel subunit alpha1 C; plus strand). Cytogenetic location: 12p13.33.
Variant type: single nucleotide variant.
Coding change: c.5906T>C on transcript NM_000719.7 (MANE Select); coding-DNA position 5906, T replaced by C.
Protein change: p.Val1969Ala; replaces valine 1969 with alanine.
Molecular consequence: missense variant.
Genome position (GRCh38, 1-based): chr12:2,688,568, T>C. VCF-style: chr12-2688568-T-C. GRCh37 (hg19) VCF-style: chr12-2797734-T-C.
Other names: c.6050T>C, p.Val2017Ala (NM_001129827.2); c.6029T>C, p.Val2010Ala (NM_001129829.2); c.6011T>C, p.Val2004Ala (NM_001129830.3, NM_001167624.3); c.5990T>C, p.Val1997Ala (NM_001129831.2); c.5966T>C, p.Val1989Ala (NM_001129832.2); c.5963T>C, p.Val1988Ala (NM_001129833.2, NM_001129834.2, NM_001129835.2); c.5957T>C, p.Val1986Ala (NM_001129836.2); c.5930T>C, p.Val1977Ala (NM_001129837.2, NM_001129838.2); and 6 more; short protein forms V1958A, V1966A, V1969A, V1975A, V1977A, V1986A, V1988A, V1989A.
Identifiers: ClinVar variation 1051404 (VCV001051404.14), dbSNP rs1298514198, ClinGen allele CA383384434.